The following is an entry in ClinVar:

NM_173598.6(KSR2):c.2126G>A (p.Arg709Gln)

Gene: KSR2 (kinase suppressor of ras 2; minus strand). Cytogenetic location: 12q24.22.
Variant type: single nucleotide variant.
Coding change: c.2126G>A on transcript NM_173598.6 (MANE Select); coding-DNA position 2126, G replaced by A.
Protein change: p.Arg709Gln; replaces arginine 709 with glutamine.
Molecular consequence: missense variant.
Genome position (GRCh38, 1-based): chr12:117,524,945, C>T on the plus strand (G>A on the coding strand, the complement: KSR2 is on the minus strand). VCF-style: chr12-117524945-C-T. GRCh37 (hg19) VCF-style: chr12-117962750-C-T.
Other names: short protein forms R709Q.
Identifiers: ClinVar variation 3350117 (VCV003350117.2).

ClinVar aggregate classification (germline): Uncertain significance. Review status: criteria provided, single submitter (1 of 4 stars). 2 submissions from 2 submitters: Uncertain significance (1). 1 of the submissions does not count toward it. Last evaluated 2025-08-27.

Conditions:
KSR2-related disorder. Also called: KSR2-related condition.

gnomAD v4.1: 6 of 1,613,736 alleles (0.00037%); highest among the groups gnomAD compares: Non-Finnish European, 0.00042%; no homozygotes.

Submissions (2):

Ambry Genetics
Classification: Uncertain significance. Last evaluated: 2025-08-27. Review status: criteria provided, single submitter. Criteria: Ambry Variant Classification Scheme 2023. Collection method: clinical testing. Allele origin: germline.

PreventionGenetics, part of Exact Sciences
Classification: Uncertain significance for KSR2-related condition. Last evaluated: 2023-11-30. Review status: no assertion criteria provided. Collection method: clinical testing. Allele origin: germline. Not counted in ClinVar's aggregate classification.
Comment: The KSR2 c.2039G>A variant is predicted to result in the amino acid substitution p.Arg680Gln. To our knowledge, this variant has not been reported in the literature or in a large population database, indicating this variant is rare. At this time, the clinical significance of this variant is uncertain due to the absence of conclusive functional and genetic evidence.